The following is an entry in ClinVar:

ClinVar aggregate classification (germline): Conflicting classifications of pathogenicity. Review status: criteria provided, conflicting classifications (1 of 4 stars). 6 submissions from 6 submitters: Uncertain significance (1); Benign (1); Likely benign (4). Last evaluated 2025-11-17.

Conditions:
Tuberous sclerosis 1 (TSC1). Identifiers: Orphanet 805, MedGen C1854465, MONDO:0008612, OMIM 191100.
Hereditary cancer-predisposing syndrome. Also called: Tumor predisposition; Hereditary neoplastic syndrome; Neoplastic Syndromes, Hereditary; Hereditary Cancer Syndrome. Identifiers: Orphanet 140162, MedGen C0027672, MeSH D009386, MONDO:0015356.

Allele frequency attached by ClinVar (database versions not stated): gnomAD exomes below 0.00001.
gnomAD v4.1: 2 of 1,609,504 alleles (0.00012%); highest among the groups gnomAD compares: South Asian, 0.0022%; no homozygotes.

Submissions (6):

Labcorp Genetics (formerly Invitae), Labcorp
Classification: Likely benign for Tuberous sclerosis 1. Last evaluated: 2025-11-17. Review status: criteria provided, single submitter. Criteria: Invitae Variant Classification Sherloc (09022015). Collection method: clinical testing. Allele origin: germline.

Myriad Genetics, Inc.
Classification: Benign for Tuberous sclerosis 1. Last evaluated: 2025-04-09. Review status: criteria provided, single submitter. Criteria: Myriad Autosomal Dominant, Autosomal Recessive and X-Linked Classification Criteria (2023). Collection method: clinical testing. Allele origin: unknown.
Comment: This variant is considered benign. This variant is a silent/synonymous amino acid change and it is not expected to impact splicing.

Quest Diagnostics Nichols Institute San Juan Capistrano
Classification: Uncertain significance. Last evaluated: 2024-09-25. Review status: criteria provided, single submitter. Criteria: Quest Diagnostics criteria. Collection method: clinical testing. Allele origin: unknown.
Comment: The TSC1 c.1026A>G (p.Pro342=) synonymous variant has not been reported in individuals with TSC1-related conditions in the published literature. It also has not been reported in large, multi-ethnic general populations (Genome Aggregation Database). Analysis of this variant using software algorithms for the prediction of the effect of nucleotide changes on splicing yielded predictions that this variant does not affect TSC1 mRNA splicing. Based on the available information, we are unable to determine the clinical significance of this variant.

CeGaT Center for Human Genetics Tuebingen
Classification: Likely benign. Last evaluated: 2024-07-01. Review status: criteria provided, single submitter. Criteria: CeGaT Center For Human Genetics Tuebingen Variant Classification Criteria Version 2. Collection method: clinical testing. Allele origin: germline. Affected: yes. Observed: 1 variant allele.
Comment: TSC1: PM2:Supporting, BP4, BP7

Genome-Nilou Lab
Classification: Likely benign for Tuberous sclerosis 1. Last evaluated: 2021-11-07. Review status: criteria provided, single submitter. Criteria: ACMG Guidelines, 2015. Collection method: clinical testing. Allele origin: germline. Affected: no.

Ambry Genetics
Classification: Likely benign for Hereditary cancer-predisposing syndrome. Last evaluated: 2019-06-21. Review status: criteria provided, single submitter. Criteria: Ambry Variant Classification Scheme 2023. Collection method: clinical testing. Allele origin: germline.

NM_000368.5(TSC1):c.1026A>G (p.Pro342=)

Gene: TSC1 (TSC complex subunit 1; minus strand). Cytogenetic location: 9q34.13.
Variant type: single nucleotide variant.
Coding change: c.1026A>G on transcript NM_000368.5 (MANE Select); coding-DNA position 1026, A replaced by G.
Protein change: p.Pro342=; no amino-acid change (proline 342 retained).
Molecular consequence: synonymous variant.
Genome position (GRCh38, 1-based): chr9:132,911,456, T>C on the plus strand (A>G on the coding strand, the complement: TSC1 is on the minus strand). VCF-style: chr9-132911456-T-C. GRCh37 (hg19) VCF-style: chr9-135786843-T-C.
Other names: c.1026A>G, p.Pro342= (NM_001162426.2); c.873A>G, p.Pro291= (NM_001162427.2); c.663A>G, p.Pro221= (NM_001362177.2).
Identifiers: ClinVar variation 822018 (VCV000822018.34), dbSNP rs1588324071, ClinGen allele CA467593431.